The following is an entry in ClinVar:

ClinVar aggregate classification (germline): Uncertain significance. Review status: criteria provided, multiple submitters, no conflicts (2 of 4 stars). 2 submissions from 2 submitters: Uncertain significance (2). Last evaluated 2021-04-02.

Conditions:
FG syndrome (FGS). Identifiers: MedGen C0220769, MONDO:0002010.

Submissions (2):

GeneDx
Classification: Uncertain significance. Last evaluated: 2021-04-02. Review status: criteria provided, single submitter. Criteria: GeneDx Variant Classification Process June 2021. Collection method: clinical testing. Allele origin: germline. Affected: yes.
Comment: Has not been previously published as pathogenic or benign to our knowledge; Not observed in large population cohorts (Lek et al., 2016); In silico analysis supports that this missense variant has a deleterious effect on protein structure/function; Reported in ClinVar as a variant of uncertain significance (ClinVar Variant ID# 1007087; Landrum et al., 2016)

Labcorp Genetics (formerly Invitae), Labcorp
Classification: Uncertain significance for FG syndrome. Last evaluated: 2020-06-13. Review status: criteria provided, single submitter. Criteria: Invitae Variant Classification Sherloc (09022015). Collection method: clinical testing. Allele origin: germline.
Comment: In summary, the available evidence is currently insufficient to determine the role of this variant in disease. Therefore, it has been classified as a Variant of Uncertain Significance. Algorithms developed to predict the effect of missense changes on protein structure and function are either unavailable or do not agree on the potential impact of this missense change (SIFT: "Deleterious"; PolyPhen-2: "Possibly Damaging"; Align-GVGD: "Class C0"). This variant has not been reported in the literature in individuals with MED12-related conditions. This variant is not present in population databases (ExAC no frequency). This sequence change replaces aspartic acid with asparagine at codon 478 of the MED12 protein (p.Asp478Asn). The aspartic acid residue is highly conserved and there is a small physicochemical difference between aspartic acid and asparagine.

NM_005120.3(MED12):c.1432G>A (p.Asp478Asn)

Genes: MED12 (mediator complex subunit 12; plus strand), LOC126863275 (BRD4-independent group 4 enhancer GRCh37_chrX:70342400-70343599; plus strand). Cytogenetic location: Xq13.1.
Variant type: single nucleotide variant.
Coding change: c.1432G>A on transcript NM_005120.3 (MANE Select); coding-DNA position 1432, G replaced by A.
Protein change: p.Asp478Asn; replaces aspartic acid 478 with asparagine.
Molecular consequence: missense variant.
Genome position (GRCh38, 1-based): chrX:71,122,821, G>A. VCF-style: chrX-71122821-G-A. GRCh37 (hg19) VCF-style: chrX-70342671-G-A.
Other names: short protein forms D478N.
Identifiers: ClinVar variation 1007087 (VCV001007087.14), dbSNP rs2092293014, ClinGen allele CA413506671.